The following is an entry in ClinVar:

NM_004415.4(DSP):c.5304G>C (p.Gly1768=)

Gene: DSP (desmoplakin; plus strand). Cytogenetic location: 6p24.3.
Variant type: single nucleotide variant.
Coding change: c.5304G>C on transcript NM_004415.4 (MANE Select); coding-DNA position 5304, G replaced by C.
Protein change: p.Gly1768=; no amino-acid change (glycine 1768 retained).
Molecular consequence: synonymous variant. On other transcripts: intron variant (2).
Genome position (GRCh38, 1-based): chr6:7,581,494, G>C. VCF-style: chr6-7581494-G-C. GRCh37 (hg19) VCF-style: chr6-7581727-G-C.
Other names: c.4051-1148G>C (NM_001319034.2); c.3583-1148G>C (NM_001008844.3); c.5304G>C (NM_004415.3).
Identifiers: ClinVar variation 179423 (VCV000179423.57), dbSNP rs530612211, ClinGen allele CA004582.

ClinVar aggregate classification (germline): Benign/Likely benign. Review status: criteria provided, multiple submitters, no conflicts (2 of 4 stars). 9 submissions from 9 submitters: Benign (2); Likely benign (7). Last evaluated 2026-09-01.

Conditions:
DSP-related disorder. Also called: DSP-related condition; DSP-related disorders.
Cardiovascular phenotype. Identifiers: MedGen CN230736.
Cardiomyopathy (CMYO). Also called: Cardiomyopathies. Identifiers: Orphanet 167848, MedGen C0878544, MONDO:0004994, HP:0001638. Inheritance: Various modes of inheritance.
Arrhythmogenic right ventricular dysplasia 8 (ARVD8). Also called: ARRHYTHMOGENIC RIGHT VENTRICULAR DYSPLASIA, FAMILIAL, 8; Arrhythmogenic Right Ventricular Dysplasia/Cardiomyopathy 8; ARRHYTHMOGENIC RIGHT VENTRICULAR CARDIOMYOPATHY 8. Identifiers: MedGen C1843896, MONDO:0011831, OMIM 607450.
Arrhythmogenic cardiomyopathy with wooly hair and keratoderma. Also called: Arrhythmogenic cardiomyopathy with woolly hair and keratoderma; PALMOPLANTAR KERATODERMA WITH LEFT VENTRICULAR CARDIOMYOPATHY AND WOOLLY HAIR; Dilated cardiomyopathy with woolly hair and keratoderma; Carvajal syndrome. Identifiers: Orphanet 65282, MedGen C1854063, MONDO:0011581, OMIM 605676.

Allele frequency attached by ClinVar (database versions not stated): gnomAD 0.00010; TOPMed 0.00017; 1000 Genomes Project 30x 0.00047; 1000 Genomes Project 0.00060.
gnomAD v4.1: 446 of 1,613,972 alleles (0.028%); highest among the groups gnomAD compares: South Asian, 0.32%; 4 homozygotes.

Submissions (9):

CeGaT Center for Human Genetics Tuebingen
Classification: Likely benign. Last evaluated: 2026-09-01. Review status: criteria provided, single submitter. Criteria: CeGaT Center For Human Genetics Tuebingen Variant Classification Criteria Version 2. Collection method: clinical testing. Allele origin: germline. Affected: yes. Observed: 8 variant alleles.
Comment: DSP: BP4, BP7

Labcorp Genetics (formerly Invitae), Labcorp
Classification: Benign for Arrhythmogenic cardiomyopathy with wooly hair and keratoderma; Arrhythmogenic right ventricular dysplasia 8. Last evaluated: 2026-01-20. Review status: criteria provided, single submitter. Criteria: Invitae Variant Classification Sherloc (09022015). Collection method: clinical testing. Allele origin: germline.

PreventionGenetics, part of Exact Sciences
Classification: Likely benign for DSP-related condition. Last evaluated: 2025-03-14. Review status: criteria provided, single submitter. Criteria: ACMG Guidelines, 2015. Collection method: clinical testing. Allele origin: germline.
Comment: This variant is classified as likely benign based on ACMG/AMP sequence variant interpretation guidelines (Richards et al. 2015 PMID: 25741868, with internal and published modifications).

Blueprint Genetics
Classification: Likely benign. Last evaluated: 2024-11-07. Review status: criteria provided, single submitter. Criteria: ACMG Guidelines, 2015. Collection method: clinical testing. Allele origin: germline.

GeneDx
Classification: Likely benign. Last evaluated: 2020-10-27. Review status: criteria provided, single submitter. Criteria: GeneDx Variant Classification Process June 2021. Collection method: clinical testing. Allele origin: germline. Affected: yes.

Ambry Genetics
Classification: Likely benign for Cardiovascular phenotype. Last evaluated: 2020-01-02. Review status: criteria provided, single submitter. Criteria: Ambry Variant Classification Scheme 2023. Collection method: clinical testing. Allele origin: germline.

Color Diagnostics, LLC DBA Color Health
Classification: Benign for Cardiomyopathy. Last evaluated: 2018-08-21. Review status: criteria provided, single submitter. Criteria: ACMG Guidelines, 2015. Collection method: clinical testing. Allele origin: germline.

Laboratory for Molecular Medicine, Mass General Brigham Personalized Medicine
Classification: Likely benign. Last evaluated: 2014-01-02. Review status: criteria provided, single submitter. Criteria: LMM Criteria. Collection method: clinical testing. Allele origin: germline. Observed: 1 variant allele.
Comment: Gly1768Gly in exon 23 of DSP: This variant is not expected to have clinical sign ificance because it does not alter an amino acid residue and is not located with in the splice consensus sequence. Gly1768Gly in exon 23 of DSP (allele frequenc y = n/a)

Breakthrough Genomics
Classification: Likely benign. Review status: criteria provided, single submitter. Criteria: ACMG Guidelines, 2015. Collection method: not provided. Allele origin: germline. Inheritance: Autosomal recessive inheritance. Affected: yes.